The following is an entry in ClinVar:

NC_000005.9:g.(?_10250453)_(10264895_?)dup

Gene: CCT5 (chaperonin containing TCP1 subunit 5; plus strand). Cytogenetic location: 5p15.2.
Variant type: Duplication.
Identifiers: ClinVar variation 3246347 (VCV003246347.1).

ClinVar aggregate classification (germline): Uncertain significance (1 of 4 stars; one submission).

Conditions:
Hereditary sensory and autonomic neuropathy with spastic paraplegia (HSNSP). Identifiers: Orphanet 139578, MedGen C1850395, MONDO:0009748, OMIM 256840.

Submission:

Labcorp Genetics (formerly Invitae), Labcorp
Classification: Uncertain significance for Hereditary sensory and autonomic neuropathy with spastic paraplegia. Last evaluated: 2023-10-13. Review status: criteria provided, single submitter. Criteria: Invitae Variant Classification Sherloc (09022015). Collection method: clinical testing. Allele origin: unknown.
Comment: A copy number gain of the genomic region encompassing the full coding sequence of the CCT5 gene has been identified. The boundaries of this event are unknown as they extend beyond the assayed region for this gene and therefore may encompass additional genes. As the precise location of this event is unknown, it may be in tandem or it may be located elsewhere in the genome. This variant has not been reported in the literature in individuals affected with CCT5-related conditions. In summary, the available evidence is currently insufficient to determine the role of this variant in disease. Therefore, it has been classified as a Variant of Uncertain Significance.